The following is an entry in ClinVar:

NM_001267550.2(TTN):c.51067G>A (p.Gly17023Arg)

Genes: TTN (titin; minus strand), TTN-AS1 (TTN antisense RNA 1; plus strand). Cytogenetic location: 2q31.2.
Variant type: single nucleotide variant.
Coding change: c.51067G>A on transcript NM_001267550.2 (MANE Select); coding-DNA position 51067, G replaced by A.
Protein change: p.Gly17023Arg; replaces glycine 17023 with arginine.
Molecular consequence: missense variant.
Genome position (GRCh38, 1-based): chr2:178,611,062, C>T on the plus strand (G>A on the coding strand, the complement: TTN is on the minus strand). VCF-style: chr2-178611062-C-T. GRCh37 (hg19) VCF-style: chr2-179475789-C-T.
Other names: p.G15382R:GGA>AGA; c.46144G>A, p.Gly15382Arg (NM_001256850.1); c.23872G>A, p.Gly7958Arg (NM_003319.4); c.43363G>A, p.Gly14455Arg (NM_133378.4); c.24247G>A, p.Gly8083Arg (NM_133432.3); c.24448G>A, p.Gly8150Arg (NM_133437.4); short protein forms G15382R, G17023R, G14455R, G8150R, G7958R, G8083R.
Identifiers: ClinVar variation 202689 (VCV000202689.11), dbSNP rs745424139, ClinGen allele CA309989.

ClinVar aggregate classification (germline): Uncertain significance. Review status: criteria provided, multiple submitters, no conflicts (2 of 4 stars). 5 submissions from 5 submitters: Uncertain significance (3). 2 of the submissions do not count toward it. Last evaluated 2019-10-08.

Allele frequency attached by ClinVar (database versions not stated): ExAC 0.00001; gnomAD exomes 0.00001; gnomAD 0.00002; TOPMed 0.00002.
gnomAD v4.1: 22 of 1,612,682 alleles (0.0014%); highest among the groups gnomAD compares: Admixed American, 0.0067%; no homozygotes.

Submissions (5):

Revvity Omics, Revvity
Classification: Uncertain significance. Last evaluated: 2019-10-08. Review status: criteria provided, single submitter. Criteria: ACMG Guidelines, 2015. Collection method: clinical testing. Allele origin: germline.

Eurofins Ntd Llc (ga)
Classification: Uncertain significance. Last evaluated: 2017-05-08. Review status: criteria provided, single submitter. Criteria: EGL Classification Definitions 2015. Collection method: clinical testing. Allele origin: germline. Observed: 1 variant allele, 1 heterozygote.

GeneDx
Classification: Uncertain significance. Last evaluated: 2013-05-30. Review status: criteria provided, single submitter. Criteria: GeneDx Variant Classification (06012015). Collection method: clinical testing. Allele origin: germline. Affected: yes.
Comment: Missense variants in the TTN gene are considered 'unclassified' if they are not previously reported in the literature and do not have >1% frequency in the population to be considered a polymorphism. Research indicates that truncating mutations in the TTN gene are expected to account for approximately 25% of familial and 18% of sporadic idiopathic DCM; however, truncating variants in the TTN gene have been reported in approximately 3% of reported control alleles. There has been little investigation into non-truncating variants. (Herman D et al. Truncations of titin causing dilated cardiomyopathy. N Eng J Med 366:619-628, 2012) The variant is found in DCM panel(s).

Clinical Genetics, Academic Medical Center
Classification: Uncertain significance. Review status: no assertion criteria provided. Collection method: clinical testing. Allele origin: germline. Affected: yes. Study: VKGL Data-share Consensus. Not counted in ClinVar's aggregate classification.

Genome Diagnostics Laboratory, Amsterdam University Medical Center
Classification: Uncertain significance. Review status: no assertion criteria provided. Collection method: clinical testing. Allele origin: germline. Affected: yes. Study: VKGL Data-share Consensus. Not counted in ClinVar's aggregate classification.